The following is an entry in ClinVar:

NM_013432.5(TONSL):c.1156G>A (p.Val386Met)

Gene: TONSL (tonsoku like, DNA repair protein; minus strand). Cytogenetic location: 8q24.3.
Variant type: single nucleotide variant.
Coding change: c.1156G>A on transcript NM_013432.5 (MANE Select); coding-DNA position 1156, G replaced by A.
Protein change: p.Val386Met; replaces valine 386 with methionine.
Molecular consequence: missense variant.
Genome position (GRCh38, 1-based): chr8:144,440,726, C>T on the plus strand (G>A on the coding strand, the complement: TONSL is on the minus strand). VCF-style: chr8-144440726-C-T. GRCh37 (hg19) VCF-style: chr8-145666109-C-T.
Other names: c.1156G>A (NM_013432.4); short protein forms V386M.
Identifiers: ClinVar variation 1060889 (VCV001060889.8), dbSNP rs151056734, ClinGen allele CA4943372.

ClinVar aggregate classification (germline): Conflicting classifications of pathogenicity. Review status: criteria provided, conflicting classifications (1 of 4 stars). 5 submissions from 5 submitters: Uncertain significance (4); Likely benign (1). Last evaluated 2025-01-13.

Conditions:
Inborn genetic diseases. Identifiers: MedGen C0950123, MeSH D030342.
TONSL-related disorder. Also called: TONSL-related condition.
Sponastrime dysplasia. Also called: SPONDYLAR AND NASAL ALTERATIONS WITH STRIATED METAPHYSES. Identifiers: Orphanet 93357, MedGen C1300260, MONDO:0010068, OMIM 271510.

Allele frequency attached by ClinVar (database versions not stated): 1000 Genomes Project 0.00020; 1000 Genomes Project 30x 0.00031; TOPMed 0.00067; ESP Exome Variant Server 0.00100.
gnomAD v4.1: 222 of 1,612,262 alleles (0.014%); highest among the groups gnomAD compares: African/African-American, 0.21%; 1 homozygote.

Submissions (5):

Labcorp Genetics (formerly Invitae), Labcorp
Classification: Uncertain significance. Last evaluated: 2025-01-13. Review status: criteria provided, single submitter. Criteria: Invitae Variant Classification Sherloc (09022015). Collection method: clinical testing. Allele origin: germline.
Comment: This sequence change replaces valine, which is neutral and non-polar, with methionine, which is neutral and non-polar, at codon 386 of the TONSL protein (p.Val386Met). This variant is present in population databases (rs151056734, gnomAD 0.2%). This variant has not been reported in the literature in individuals affected with TONSL-related conditions. ClinVar contains an entry for this variant (Variation ID: 1060889). Invitae Evidence Modeling of protein sequence and biophysical properties (such as structural, functional, and spatial information, amino acid conservation, physicochemical variation, residue mobility, and thermodynamic stability) indicates that this missense variant is not expected to disrupt TONSL protein function with a negative predictive value of 80%. In summary, the available evidence is currently insufficient to determine the role of this variant in disease. Therefore, it has been classified as a Variant of Uncertain Significance.

Fulgent Genetics
Classification: Uncertain significance for Sponastrime dysplasia. Last evaluated: 2024-01-31. Review status: criteria provided, single submitter. Criteria: ACMG Guidelines, 2015. Collection method: clinical testing. Allele origin: germline.

PreventionGenetics, part of Exact Sciences
Classification: Uncertain significance for TONSL-related condition. Last evaluated: 2022-10-25. Review status: criteria provided, single submitter. Criteria: ACMG Guidelines, 2015. Collection method: clinical testing. Allele origin: germline.
Comment: The TONSL c.1156G>A variant is predicted to result in the amino acid substitution p.Val386Met. To our knowledge, this variant has not been reported in the literature. This variant is reported in 0.19% of alleles in individuals of African descent in gnomAD. At this time, the clinical significance of this variant is uncertain due to the absence of conclusive functional and genetic evidence.

Ambry Genetics
Classification: Likely benign for Inborn genetic diseases. Last evaluated: 2021-06-22. Review status: criteria provided, single submitter. Criteria: Ambry Variant Classification Scheme 2023. Collection method: clinical testing. Allele origin: germline.

Breakthrough Genomics
Classification: Uncertain significance. Review status: criteria provided, single submitter. Criteria: ACMG Guidelines, 2015. Collection method: not provided. Allele origin: germline. Inheritance: Autosomal recessive inheritance. Affected: yes.